The following is an entry in ClinVar:

ClinVar aggregate classification (germline): Uncertain significance. Review status: criteria provided, multiple submitters, no conflicts (2 of 4 stars). 5 submissions from 4 submitters: Uncertain significance (5). Last evaluated 2024-04-04.

Conditions:
Inborn genetic diseases. Identifiers: MedGen C0950123, MeSH D030342.
Charcot-Marie-Tooth disease axonal type 2F (CMT2F). Also called: CHARCOT-MARIE-TOOTH DISEASE, NEURONAL, TYPE 2F; Charcot-Marie-Tooth Neuropathy Type 2F. Identifiers: Orphanet 99940, MedGen C1847823, MONDO:0011687, OMIM 606595.
Neuronopathy, distal hereditary motor, type 2B. Also called: HMN IIB; NEURONOPATHY, DISTAL HEREDITARY MOTOR, AUTOSOMAL DOMINANT 3; NEURONOPATHY, DISTAL HEREDITARY MOTOR, HARDING TYPE IIB; NEUROPATHY, DISTAL HEREDITARY MOTOR, HARDING TYPE IIB. Identifiers: Orphanet 139525, MedGen C2608087, MONDO:0012080, OMIM 608634.

Allele frequency attached by ClinVar (database versions not stated): TOPMed 0.00002.

Submissions (5):

Labcorp Genetics (formerly Invitae), Labcorp
Classification: Uncertain significance for Charcot-Marie-Tooth disease axonal type 2F. Last evaluated: 2024-04-04. Review status: criteria provided, single submitter. Criteria: Invitae Variant Classification Sherloc (09022015). Collection method: clinical testing. Allele origin: germline.
Comment: This sequence change replaces asparagine, which is neutral and polar, with isoleucine, which is neutral and non-polar, at codon 102 of the HSPB1 protein (p.Asn102Ile). This variant is present in population databases (no rsID available, gnomAD 0.01%). This variant has not been reported in the literature in individuals affected with HSPB1-related conditions. ClinVar contains an entry for this variant (Variation ID: 447528). Advanced modeling of protein sequence and biophysical properties (such as structural, functional, and spatial information, amino acid conservation, physicochemical variation, residue mobility, and thermodynamic stability) has been performed at Invitae for this missense variant, however the output from this modeling did not meet the statistical confidence thresholds required to predict the impact of this variant on HSPB1 protein function. In summary, the available evidence is currently insufficient to determine the role of this variant in disease. Therefore, it has been classified as a Variant of Uncertain Significance.

Ambry Genetics
Classification: Uncertain significance for Inborn genetic diseases. Last evaluated: 2023-07-27. Review status: criteria provided, single submitter. Criteria: Ambry Variant Classification Scheme 2023. Collection method: clinical testing. Allele origin: germline.

Illumina Laboratory Services, Illumina
Classification: Uncertain significance for Neuronopathy, distal hereditary motor, type 2B. Last evaluated: 2018-01-12. Review status: criteria provided, single submitter. Criteria: ICSL Variant Classification Criteria 13 December 2019. Collection method: clinical testing. Allele origin: germline.

Illumina Laboratory Services, Illumina
Classification: Uncertain significance for Charcot-Marie-Tooth disease axonal type 2F. Last evaluated: 2018-01-12. Review status: criteria provided, single submitter. Criteria: ICSL Variant Classification Criteria 13 December 2019. Collection method: clinical testing. Allele origin: germline.

Athena Diagnostics
Classification: Uncertain significance. Last evaluated: 2016-10-17. Review status: criteria provided, single submitter. Criteria: Athena Diagnostics Criteria. Collection method: clinical testing. Allele origin: germline.

NM_001540.5(HSPB1):c.305A>T (p.Asn102Ile)

Gene: HSPB1 (heat shock protein family B (small) member 1; plus strand). Cytogenetic location: 7q11.23.
Variant type: single nucleotide variant.
Coding change: c.305A>T on transcript NM_001540.5 (MANE Select); coding-DNA position 305, A replaced by T.
Protein change: p.Asn102Ile; replaces asparagine 102 with isoleucine.
Molecular consequence: missense variant.
Genome position (GRCh38, 1-based): chr7:76,303,017, A>T. VCF-style: chr7-76303017-A-T. GRCh37 (hg19) VCF-style: chr7-75932334-A-T.
Other names: c.305A>T (LRG_248t1); short protein forms N102I.
Identifiers: ClinVar variation 447528 (VCV000447528.16), dbSNP rs765142574, ClinGen allele CA367763391.